The following is an entry in ClinVar:

ClinVar aggregate classification (germline): Benign/Likely benign. Review status: criteria provided, multiple submitters, no conflicts (2 of 4 stars). 4 submissions from 4 submitters: Benign (1); Likely benign (3). Last evaluated 2025-10-13.

Conditions:
Familial adenomatous polyposis 1 (FAP1). Also called: FAMILIAL ADENOMATOUS POLYPOSIS 1, ATTENUATED; POLYPOSIS, ADENOMATOUS INTESTINAL. Identifiers: MedGen C2713442, MONDO:0021056, OMIM 175100. Disease mechanism: loss of function.
Hereditary cancer-predisposing syndrome. Also called: Hereditary neoplastic syndrome; Neoplastic Syndromes, Hereditary; Tumor predisposition; Hereditary Cancer Syndrome. Identifiers: Orphanet 140162, MedGen C0027672, MeSH D009386, MONDO:0015356.

gnomAD v4.1: 2 of 1,613,962 alleles (0.00012%); highest among the groups gnomAD compares: Non-Finnish European, 0.00017%; no homozygotes.

Submissions (4):

Labcorp Genetics (formerly Invitae), Labcorp
Classification: Likely benign for Familial adenomatous polyposis 1. Last evaluated: 2025-10-13. Review status: criteria provided, single submitter. Criteria: Invitae Variant Classification Sherloc (09022015). Collection method: clinical testing. Allele origin: germline.

Ambry Genetics
Classification: Likely benign for Hereditary cancer-predisposing syndrome. Last evaluated: 2024-05-12. Review status: criteria provided, single submitter. Criteria: Ambry Variant Classification Scheme 2023. Collection method: clinical testing. Allele origin: germline.

Myriad Genetics, Inc.
Classification: Benign for Familial adenomatous polyposis 1. Last evaluated: 2024-04-11. Review status: criteria provided, single submitter. Criteria: Myriad Autosomal Dominant, Autosomal Recessive and X-Linked Classification Criteria (2023). Collection method: clinical testing. Allele origin: unknown.
Comment: This variant is considered benign. This variant is a silent/synonymous amino acid change and it is not expected to impact splicing.

Color Diagnostics, LLC DBA Color Health
Classification: Likely benign for Hereditary cancer-predisposing syndrome. Last evaluated: 2019-07-26. Review status: criteria provided, single submitter. Criteria: ACMG Guidelines, 2015. Collection method: clinical testing. Allele origin: germline.

NM_000038.6(APC):c.7884G>A (p.Gln2628=)

Gene: APC (APC regulator of Wnt signaling pathway; plus strand). Cytogenetic location: 5q22.2.
Variant type: single nucleotide variant.
Coding change: c.7884G>A on transcript NM_000038.6 (MANE Select); coding-DNA position 7884, G replaced by A.
Protein change: p.Gln2628=; no amino-acid change (glutamine 2628 retained).
Molecular consequence: synonymous variant.
Genome position (GRCh38, 1-based): chr5:112,843,478, G>A. VCF-style: chr5-112843478-G-A. GRCh37 (hg19) VCF-style: chr5-112179175-G-A.
Other names: c.7884G>A, p.Gln2628= (NM_001127510.3, NM_001354895.2); c.7830G>A, p.Gln2610= (NM_001127511.3); c.7938G>A, p.Gln2646= (NM_001354896.2); c.7914G>A, p.Gln2638= (NM_001354897.2); c.7809G>A, p.Gln2603= (NM_001354898.2); c.7800G>A, p.Gln2600= (NM_001354899.2); c.7761G>A, p.Gln2587= (NM_001354900.2); c.7581G>A, p.Gln2527= (NM_001354903.2); and 6 more.
Identifiers: ClinVar variation 1145130 (VCV001145130.12), dbSNP rs1554088722, ClinGen allele CA446210933.